The following is an entry in ClinVar:

NM_000264.5(PTCH1):c.371_387del (p.Asn124fs)

Gene: PTCH1 (patched 1; minus strand). Cytogenetic location: 9q22.32.
Variant type: Deletion.
Coding change: c.371_387del on transcript NM_000264.5 (MANE Select); coding-DNA positions 371 to 387, 17 bases deleted (ACGTGGAGGAGCTGTGG).
Protein change: p.Asn124fs; shifts the reading frame from asparagine 124.
Molecular consequence: frameshift variant. On other transcripts: 5 prime UTR variant (4), non-coding transcript variant (1).
Genome position (GRCh38, 1-based): chr9:95,506,414-95,506,430, CCACAGCTCCTCCACGT deleted on the plus strand (ACGTGGAGGAGCTGTGG on the coding strand, the reverse complement: PTCH1 is on the minus strand). VCF-style (leftmost placement, unchanged base first): chr9-95506413-CCCACAGCTCCTCCACGT-C. GRCh37 (hg19) VCF-style: chr9-98268695-CCCACAGCTCCTCCACGT-C.
Other names: c.173_189del, p.Asn58fs (NM_001083602.3, NM_001354919.2); c.368_384del, p.Asn123fs (NM_001083603.3); c.-83_-67del (NM_001083604.3, NM_001083605.3, NM_001083606.3 and 1 more transcripts); c.371_387del, p.Asn124fs (NM_001354918.2); short protein forms N123fs, N124fs, N58fs.
Identifiers: ClinVar variation 428827 (VCV000428827.5), dbSNP rs1554708626, ClinGen allele CA645369460.
Genomic context (GRCh38, chr9:95,506,413, plus strand): 5'-AACCGCGAGGAGGGACCGGGCCGGGGGCGCGGGCGCCGCGGCGGGCGCTCTTACCTTCCA[CCCACAGCTCCTCCACGT>C]TGGTCTCGAGGTTCGCTGCTTTTAATCCCACCGCGAAGGCCCCAAATATGAGGAGGCCCA-3'

ClinVar aggregate classification (germline): Pathogenic (1 of 4 stars; one submission).

Conditions:
Hereditary cancer-predisposing syndrome. Also called: Hereditary Cancer Syndrome; Neoplastic Syndromes, Hereditary; Hereditary neoplastic syndrome; Tumor predisposition. Identifiers: Orphanet 140162, MedGen C0027672, MeSH D009386, MONDO:0015356.

Submission:

Ambry Genetics
Classification: Pathogenic for Hereditary cancer-predisposing syndrome. Last evaluated: 2015-03-03. Review status: criteria provided, single submitter. Criteria: Ambry Variant Classification Scheme 2023. Collection method: clinical testing. Allele origin: germline.
Comment: The c.371_387del17 pathogenic mutation, located in coding exon 2 of the PTCH1 gene, results from a deletion of 17 nucleotides between nucleotide positions 371 and 387, causing a translational frameshift with a predicted alternate stop codon. Since frameshifts are typically deleterious in nature, this alteration is interpreted as a disease-causing mutation (ACMG Recommendations for Standards for Interpretation and Reporting of Sequence Variations. Revision 2007. Genet Med. 2008;10:294).